The following is an entry in ClinVar:

ClinVar aggregate classification (germline): Benign/Likely benign. Review status: criteria provided, multiple submitters, no conflicts (2 of 4 stars). 3 submissions from 3 submitters: Benign (1); Likely benign (2). Last evaluated 2025-06-11.

Conditions:
Hereditary cancer-predisposing syndrome. Also called: Neoplastic Syndromes, Hereditary; Hereditary neoplastic syndrome; Tumor predisposition; Hereditary Cancer Syndrome. Identifiers: Orphanet 140162, MedGen C0027672, MeSH D009386, MONDO:0015356.
Von Hippel-Lindau syndrome (VHLS). Also called: von Hippel–Lindau syndrome; VHL syndrome; Von Hippel-Lindau. Identifiers: Orphanet 892, MedGen C0019562, MONDO:0008667, OMIM 193300. Disease mechanism: loss of function.
Chuvash polycythemia. Also called: POLYCYTHEMIA, VHL-DEPENDENT. Identifiers: Orphanet 238557, MedGen C1837915, MONDO:0009892, OMIM 263400.

Allele frequency attached by ClinVar (database versions not stated): gnomAD exomes below 0.00001.

Submissions (3):

Myriad Genetics, Inc.
Classification: Benign for Von Hippel-Lindau syndrome. Last evaluated: 2025-06-11. Review status: criteria provided, single submitter. Criteria: Myriad Autosomal Dominant, Autosomal Recessive and X-Linked Classification Criteria (2023). Collection method: clinical testing. Allele origin: unknown.
Comment: This variant is considered benign. This variant is a silent/synonymous amino acid change and it is not expected to impact splicing.

Labcorp Genetics (formerly Invitae), Labcorp
Classification: Likely benign for Von Hippel-Lindau syndrome; Chuvash polycythemia. Last evaluated: 2024-05-27. Review status: criteria provided, single submitter. Criteria: Invitae Variant Classification Sherloc (09022015). Collection method: clinical testing. Allele origin: germline.

Ambry Genetics
Classification: Likely benign for Hereditary cancer-predisposing syndrome. Last evaluated: 2023-11-18. Review status: criteria provided, single submitter. Criteria: Ambry Variant Classification Scheme 2023. Collection method: clinical testing. Allele origin: germline.

NM_000551.4(VHL):c.309T>C (p.Pro103=)

Gene: VHL (von Hippel-Lindau tumor suppressor; plus strand). Cytogenetic location: 3p25.3.
Variant type: single nucleotide variant.
Coding change: c.309T>C on transcript NM_000551.4 (MANE Select); coding-DNA position 309, T replaced by C.
Protein change: p.Pro103=; no amino-acid change (proline 103 retained).
Molecular consequence: synonymous variant.
Genome position (GRCh38, 1-based): chr3:10,142,156, T>C. VCF-style: chr3-10142156-T-C. GRCh37 (hg19) VCF-style: chr3-10183840-T-C.
Other names: c.309T>C (NM_000551.3); c.309T>C, p.Pro103= (NM_001354723.2, NM_198156.3).
Identifiers: ClinVar variation 1077591 (VCV001077591.11), dbSNP rs1262511541, ClinGen allele CA432420534.